The following is an entry in ClinVar:

ClinVar aggregate classification (germline): Pathogenic (1 of 4 stars; one submission).

Conditions:
Multiple congenital anomalies-hypotonia-seizures syndrome 1 (MCAHS1). Also called: PIGN-CDG; Congenital disorder of glycosylation due to PIGN deficiency; GLYCOSYLPHOSPHATIDYLINOSITOL BIOSYNTHESIS DEFECT 3. Identifiers: Orphanet 280633, MedGen C3279775, MONDO:0013563, OMIM 614080.

Submission:

Women's Health and Genetics/Laboratory Corporation of America, LabCorp
Classification: Pathogenic for Multiple congenital anomalies-hypotonia-seizures syndrome 1. Last evaluated: 2026-06-15. Review status: criteria provided, single submitter. Criteria: LabCorp Variant Classification Summary - May 2015. Collection method: clinical testing. Allele origin: germline.
Comment: Variant summary: The variant involves the partial deletion of exon 5 and the full deletion of exons 6-7 in the PIGN gene. A presumed nomenclature of c.329_(549+1_550-1)del has been designated for the purposes of this classification. This CNV spans a canonical splice-site and therefore predicted to result in loss-of-function. Loss-of-function variants in this gene are known to be pathogenic. The variant allele was found at a frequency of 0.0006 in 21694 control chromosomes in the gnomAD database (Structural Variants v2.1 dataset). This frequency is not significantly higher than estimated for disease-causing variants in PIGN, allowing no conclusion about variant significance. Similar deletions have been observed in multiple individuals affected with Multiple Congenital Anomalies-Hypotonia Syndrome 1 (e.g. Alessandri_2018, Fleming_2016). These data indicate that the variant is very likely to be associated with disease. To our knowledge, no experimental evidence demonstrating an impact on protein function has been reported. The following publications have been ascertained in the context of this evaluation (PMID: 29330547, 26394714). ClinVar contains an entry for this variant (Variation ID: 3242782). Based on the evidence outlined above, the variant was classified as pathogenic.

Literature cited by the submitters: PubMed 26394714; PubMed 29330547.

NC_000018.9:g.(59815572_59821777)_59824934del

Gene: PIGN (phosphatidylinositol glycan anchor biosynthesis class N; minus strand). Cytogenetic location: 18q21.33.
Variant type: Deletion.
Identifiers: ClinVar variation 4887224 (VCV004887224.1).